The following is an entry in ClinVar:

NM_000059.4(BRCA2):c.7689del (p.His2563fs)

Gene: BRCA2 (BRCA2 DNA repair associated; plus strand). Cytogenetic location: 13q13.1.
Variant type: Deletion.
Coding change: c.7689del on transcript NM_000059.4 (MANE Select); coding-DNA position 7689, one base deleted (C; older notation c.7689delC).
Protein change: p.His2563fs; shifts the reading frame from histidine 2563.
Molecular consequence: frameshift variant.
Genome position (GRCh38, 1-based): chr13:32,357,813, C deleted. VCF-style (leftmost placement, unchanged base first): chr13-32357812-AC-A. GRCh37 (hg19) VCF-style: chr13-32931949-AC-A.
Other names: 7917delC; c.7689delC (NM_000059.3).
Identifiers: ClinVar variation 52388 (VCV000052388.28), dbSNP rs80359674, ClinGen allele CA025233.

ClinVar aggregate classification (germline): Pathogenic. Review status: reviewed by expert panel (3 of 4 stars). 10 submissions from 10 submitters: Pathogenic (1). 9 of the submissions do not count toward it. Last evaluated 2016-09-08.

Conditions:
Hereditary breast ovarian cancer syndrome. Also called: Hereditary breast and ovarian cancer syndrome; Hereditary breast and ovarian cancer; Hereditary breast and ovarian cancer syndrome (HBOC); Breast and ovarian cancer; Hereditary breast and/or ovarian cancer syndrome; BRCA1- and BRCA2-Associated Hereditary Breast and Ovarian Cancer. Identifiers: Orphanet 145, MedGen C0677776, MeSH D061325, MONDO:0003582. Disease mechanism: loss of function.
Hereditary cancer-predisposing syndrome. Also called: Neoplastic Syndromes, Hereditary; Tumor predisposition; Hereditary neoplastic syndrome; Hereditary Cancer Syndrome. Identifiers: Orphanet 140162, MedGen C0027672, MeSH D009386, MONDO:0015356.
Familial cancer of breast. Also called: BREAST CANCER, FAMILIAL; Hereditary breast cancer; hereditary breast carcinoma. Identifiers: Orphanet 227535, MedGen C0346153, MONDO:0016419, OMIM 114480. Disease mechanism: loss of function.
Breast-ovarian cancer, familial, susceptibility to, 2 (BROVCA2). Also called: BRCA2 Hereditary Breast and Ovarian Cancer. Identifiers: Orphanet 145, MedGen C2675520, MONDO:0012933, OMIM 612555. Disease mechanism: loss of function.

Submissions (10):

Evidence-based Network for the Interpretation of Germline Mutant Alleles (ENIGMA)
Classification: Pathogenic for Breast-ovarian cancer, familial, susceptibility to, 2. Last evaluated: 2016-09-08. Review status: reviewed by expert panel. Criteria: ENIGMA BRCA1/2 Classification Criteria (2015). Collection method: curation. Allele origin: germline.
Comment: Variant allele predicted to encode a truncated non-functional protein.

GeneKor MSA
Classification: Pathogenic for Hereditary breast ovarian cancer syndrome. Last evaluated: 2025-05-15. Review status: criteria provided, single submitter. Criteria: ACMG Guidelines, 2015. Collection method: clinical testing. Allele origin: germline. Affected: yes. Not counted in ClinVar's aggregate classification.
Comment: This sequence change deletes one base from exon 16 of the BRCA2 mRNA, c.(7689delC) causing a frameshift after codon 2563 and the creation of a premature translation stop signal 85 amino acid residues later, p.(His2563Glnfs*85). This is expected to result in an absent or disrupted protein product. Truncating variants in BRCA2 are known to be pathogenic (PMID:20104584). The mutation database Clinvar contains entries for this variant where it is listed as pathogenic (VCV000052388.25). Based on the classification criteria set by the ACMG and AMP (PMID:25741868) this variant has been classified as pathogenic.

GeneDx
Classification: Pathogenic. Last evaluated: 2024-02-14. Review status: criteria provided, single submitter. Criteria: GeneDx Variant Classification Process June 2021. Collection method: clinical testing. Allele origin: germline. Affected: yes. Not counted in ClinVar's aggregate classification.
Comment: Frameshift variant predicted to result in protein truncation or nonsense mediated decay in a gene for which loss-of-function is a known mechanism of disease; Truncating variants in this gene are considered pathogenic by a well-established clinical consortium and/or database; Not observed in large population cohorts (gnomAD); Also known as 7917del; This variant is associated with the following publications: (PMID: 31954625, 32853339, 33558524, 28152038, 35753294)

Labcorp Genetics (formerly Invitae), Labcorp
Classification: Pathogenic for Hereditary breast ovarian cancer syndrome. Last evaluated: 2023-10-22. Review status: criteria provided, single submitter. Criteria: Invitae Variant Classification Sherloc (09022015). Collection method: clinical testing. Allele origin: germline. Not counted in ClinVar's aggregate classification.
Comment: This sequence change creates a premature translational stop signal (p.His2563Glnfs*85) in the BRCA2 gene. It is expected to result in an absent or disrupted protein product. Loss-of-function variants in BRCA2 are known to be pathogenic (PMID: 20104584). This variant is not present in population databases (gnomAD no frequency). This premature translational stop signal has been observed in individual(s) with breast cancer and/or prostate cancer (PMID: 32853339, 33558524). This variant is also known as 7917delC. ClinVar contains an entry for this variant (Variation ID: 52388). For these reasons, this variant has been classified as Pathogenic.

Ambry Genetics
Classification: Pathogenic for Hereditary cancer-predisposing syndrome. Last evaluated: 2023-03-01. Review status: criteria provided, single submitter. Criteria: Ambry Variant Classification Scheme 2023. Collection method: clinical testing. Allele origin: germline. Not counted in ClinVar's aggregate classification.
Comment: The c.7689delC pathogenic mutation, located in coding exon 15 of the BRCA2 gene, results from a deletion of one nucleotide at nucleotide position 7689, causing a translational frameshift with a predicted alternate stop codon (p.H2563Qfs*85). This alteration has been reported in at least one hereditary breast and ovarian cancer family from a worldwide consortium of 29700 BRCA positive families (Rebbeck TR et al. Hum. Mutat. 2018 05;39(5):593-620). In addition to the information presented in the literature, this alteration is expected to result in loss of function by premature protein truncation or nonsense-mediated mRNA decay. As such, this alteration is interpreted as a disease-causing mutation.

Revvity Omics, Revvity
Classification: Pathogenic. Last evaluated: 2022-10-05. Review status: criteria provided, single submitter. Criteria: ACMG Guidelines, 2015. Collection method: clinical testing. Allele origin: germline. Not counted in ClinVar's aggregate classification.

Consortium of Investigators of Modifiers of BRCA1/2 (CIMBA), c/o University of Cambridge
Classification: Pathogenic for Breast-ovarian cancer, familial, susceptibility to, 2. Last evaluated: 2015-10-02. Review status: criteria provided, single submitter. Criteria: CIMBA Mutation Classification guidelines May 2016. Collection method: clinical testing. Allele origin: germline. Not counted in ClinVar's aggregate classification.

Center of Medical Genetics and Primary Health Care
Classification: Pathogenic for Breast cancer, familial. Last evaluated: 2020-04-08. Review status: no assertion criteria provided. Collection method: research. Allele origin: germline. Affected: yes. Observed: 2 variant alleles, 2 heterozygotes. Not counted in ClinVar's aggregate classification.
Comment: ACMG Guidelines 2015 criteria The BRCA2 variants p.His2563Glnfs is a known pathogenic variant in exon 16 in the BRCA-2_helical domain (D2479- 2667S aa) in a mutation hotspot of 22 pathogenic variants (PM1 Pathogenic Moderate). This domain binds the 70-amino acid DSS1 (deleted in split-hand/split-foot syndrome) protein, which was originally identified as one of three genes that map to a 1.5-Mb locus deletion in an inherited developmental malformation syndrome (PMID: 12228710). The deletion causes a frameshift, which changes a Histidine to a Glutamine at codon 2563, and creates a premature stop codon at position 85 of the new reading frame which is an established disease mechanism in hereditary breast and ovarian cancer (PVS1 Pathogenic Very Strong). This variant is not found in GnomAD exomes neither in GnomAD genomes (PM2 Pathogenic Moderate). The variant has been classified as pathogenic by the ClinGen-approved ENIGMA expert panel (ClinVar SCV000301193.2) (PP5 Pathogenic Supporting). Therefore, this variant was classified as a Pathogenic.

Sharing Clinical Reports Project (SCRP)
Classification: Pathogenic for Breast-ovarian cancer, familial 2. Last evaluated: 2010-05-27. Review status: no assertion criteria provided. Collection method: clinical testing. Allele origin: germline. Not counted in ClinVar's aggregate classification.

Breast Cancer Information Core (BIC) (BRCA2)
Classification: Pathogenic for Breast-ovarian cancer, familial 2. Last evaluated: 2000-11-10. Review status: no assertion criteria provided. Collection method: clinical testing. Allele origin: germline. Affected: yes. Observed: 2 variant alleles. Not counted in ClinVar's aggregate classification.

Literature cited by the submitters: PubMed 20104584 (cited by GeneKor MSA and Labcorp Genetics (formerly Invitae), Labcorp); PubMed 32853339 (cited by Labcorp Genetics (formerly Invitae), Labcorp); PubMed 33558524 (cited by Labcorp Genetics (formerly Invitae), Labcorp); PubMed 18257128 (cited by Ambry Genetics).